The following is an entry in ClinVar:

ClinVar aggregate classification (germline): Uncertain significance (1 of 4 stars; one submission).

Conditions:
Early-infantile DEE. Also called: Early infantile epileptic encephalopathy; Early infantile epileptic encephalopathy with suppression bursts; Ohtahara syndrome. Identifiers: Orphanet 1934, MedGen C0393706, MONDO:0800491.

gnomAD v4.1: 3 of 1,607,432 alleles (0.00019%); highest among the groups gnomAD compares: African/African-American, 0.004%; no homozygotes.

Submissions (2):

Labcorp Genetics (formerly Invitae), Labcorp
Classification: Uncertain significance for Early-infantile DEE. Last evaluated: 2024-11-06. Review status: criteria provided, single submitter. Criteria: Invitae Variant Classification Sherloc (09022015). Collection method: clinical testing. Allele origin: germline.
Comment: This sequence change replaces arginine, which is basic and polar, with glutamine, which is neutral and polar, at codon 474 of the ARHGEF15 protein (p.Arg474Gln). This variant also falls at the last nucleotide of exon 7, which is part of the consensus splice site for this exon. The frequency data for this variant in the population databases is considered unreliable, as metrics indicate poor data quality at this position in the gnomAD database. This variant has not been reported in the literature in individuals affected with ARHGEF15-related conditions. An algorithm developed to predict the effect of missense changes on protein structure and function (PolyPhen-2) suggests that this variant is likely to be disruptive. Variants that disrupt the consensus splice site are a relatively common cause of aberrant splicing (PMID: 17576681, 9536098). Algorithms developed to predict the effect of sequence changes on RNA splicing suggest that this variant may disrupt the consensus splice site. In summary, the available evidence is currently insufficient to determine the role of this variant in disease. Therefore, it has been classified as a Variant of Uncertain Significance.

Dr. Peter K. Rogan Lab, Western University
No classification provided (evidence only). Condition: Uterine corpus endometrial carcinoma. Review status: no classification provided. Collection method: in vitro. Allele origin: not applicable. Functional consequence: retained intron. Not counted in ClinVar's aggregate classification.

Literature cited by the submitters: PubMed 17576681 (cited by Labcorp Genetics (formerly Invitae), Labcorp); PubMed 9536098 (cited by Labcorp Genetics (formerly Invitae), Labcorp).

NM_173728.4(ARHGEF15):c.1421G>A (p.Arg474Gln)

Gene: ARHGEF15 (Rho guanine nucleotide exchange factor 15; plus strand). Cytogenetic location: 17p13.1.
Variant type: single nucleotide variant.
Coding change: c.1421G>A on transcript NM_173728.4 (MANE Select); coding-DNA position 1421, G replaced by A.
Protein change: p.Arg474Gln; replaces arginine 474 with glutamine.
Molecular consequence: missense variant.
Genome position (GRCh38, 1-based): chr17:8,315,574, G>A. VCF-style: chr17-8315574-G-A. GRCh37 (hg19) VCF-style: chr17-8218892-G-A.
Other names: c.1421G>A, p.Arg474Gln (NM_025014.2); short protein forms R474Q.
Identifiers: ClinVar variation 3707372 (VCV003707372.3).